The following is an entry in ClinVar:

ClinVar aggregate classification (germline): Uncertain significance (1 of 4 stars; one submission).

Conditions:
Pure or complex autosomal recessive spastic paraplegia. Identifiers: Orphanet 320346, MedGen C5679887, MONDO:0017915.

Submission:

Labcorp Genetics (formerly Invitae), Labcorp
Classification: Uncertain significance for Pure or complex autosomal recessive spastic paraplegia. Last evaluated: 2025-05-05. Review status: criteria provided, single submitter. Criteria: Invitae Variant Classification Sherloc (09022015). Collection method: clinical testing. Allele origin: germline.
Comment: This sequence change replaces serine, which is neutral and polar, with leucine, which is neutral and non-polar, at codon 486 of the ZFR protein (p.Ser486Leu). This variant is not present in population databases (gnomAD no frequency). This variant has not been reported in the literature in individuals affected with ZFR-related conditions. Experimental studies and prediction algorithms are not available or were not evaluated, and the functional significance of this variant is currently unknown. In summary, the available evidence is currently insufficient to determine the role of this variant in disease. Therefore, it has been classified as a Variant of Uncertain Significance.

NM_016107.5(ZFR):c.1457C>T (p.Ser486Leu)

Gene: ZFR (zinc finger RNA binding protein; minus strand). Cytogenetic location: 5p13.3.
Variant type: single nucleotide variant.
Coding change: c.1457C>T on transcript NM_016107.5 (MANE Select); coding-DNA position 1457, C replaced by T.
Protein change: p.Ser486Leu; replaces serine 486 with leucine.
Molecular consequence: missense variant. On other transcripts: non-coding transcript variant (1).
Genome position (GRCh38, 1-based): chr5:32,403,165, G>A on the plus strand (C>T on the coding strand, the complement: ZFR is on the minus strand). VCF-style: chr5-32403165-G-A. GRCh37 (hg19) VCF-style: chr5-32403270-G-A.
Other names: short protein forms S486L.
Identifiers: ClinVar variation 4718630 (VCV004718630.1).
Genomic context (GRCh38, chr5:32,403,165, plus strand): 5'-CCAACAAAATTTATTTTGGGGGTAGATGTTTTCTTGGCAGCCATATTTGTAGGCACTGCT[G>A]ATACTTTAGTGTTAGATGTGCTATTAAGAGACGAGTTTCCTGTAGTCGTAAGACCCTTCA-3'
Protein context (NP_057191.2, residues 476-496): SLNSTSNTKV[Ser486Leu]AVPTNMAAKK